The following is an entry in ClinVar:

ClinVar aggregate classification (germline): Likely pathogenic. Review status: criteria provided, multiple submitters, no conflicts (2 of 4 stars). 2 submissions from 2 submitters: Likely pathogenic (2). Last evaluated 2023-04-07.

Conditions:
Fanconi anemia (FA). Also called: Fanconi's anemia. Identifiers: Orphanet 84, MedGen C0015625, MeSH D005199, MONDO:0019391.
Fanconi anemia complementation group A (FANCA). Also called: Fanconi anemia, group A; FANCA-Related Fanconi Anemia. Identifiers: Orphanet 84, MedGen C3469521, MONDO:0009215, OMIM 227650.

Submissions (2):

Labcorp Genetics (formerly Invitae), Labcorp
Classification: Likely pathogenic for Fanconi anemia. Last evaluated: 2023-04-07. Review status: criteria provided, single submitter. Criteria: Invitae Variant Classification Sherloc (09022015). Collection method: clinical testing. Allele origin: germline.
Comment: This variant is not present in population databases (gnomAD no frequency). This sequence change affects an acceptor splice site in intron 34 of the FANCA gene. It is expected to disrupt RNA splicing. Variants that disrupt the donor or acceptor splice site typically lead to a loss of protein function (PMID: 16199547), and loss-of-function variants in FANCA are known to be pathogenic (PMID: 19367192). This variant has not been reported in the literature in individuals affected with FANCA-related conditions. ClinVar contains an entry for this variant (Variation ID: 2155590). In summary, the currently available evidence indicates that the variant is pathogenic, but additional data are needed to prove that conclusively. Therefore, this variant has been classified as Likely Pathogenic. Algorithms developed to predict the effect of sequence changes on RNA splicing suggest that this variant may disrupt the consensus splice site.

Baylor Genetics
Classification: Likely pathogenic for Fanconi anemia complementation group A. Last evaluated: 2022-11-11. Review status: criteria provided, single submitter. Criteria: ACMG Guidelines, 2015. Collection method: clinical testing. Allele origin: unknown.

Literature cited by the submitters: PubMed 16199547 (cited by Labcorp Genetics (formerly Invitae), Labcorp); PubMed 19367192 (cited by Labcorp Genetics (formerly Invitae), Labcorp).

NM_000135.4(FANCA):c.3409-2A>G

Gene: FANCA (FA complementation group A; minus strand). Cytogenetic location: 16q24.3.
Variant type: single nucleotide variant.
Coding change: c.3409-2A>G on transcript NM_000135.4 (MANE Select); the canonical splice acceptor site of the intron before coding-DNA position 3409, A replaced by G.
Molecular consequence: splice acceptor variant.
Genome position (GRCh38, 1-based): chr16:89,746,690, T>C on the plus strand (A>G on the coding strand, the complement: FANCA is on the minus strand). VCF-style: chr16-89746690-T-C. GRCh37 (hg19) VCF-style: chr16-89813098-T-C.
Other names: c.3409-2A>G (NM_001286167.3).
Identifiers: ClinVar variation 2155590 (VCV002155590.5), dbSNP rs2143107119, ClinGen allele CA397486029.